The following is an entry in ClinVar:

ClinVar aggregate classification (germline): Uncertain significance (1 of 4 stars; one submission).

Submission:

Dasa
Classification: Uncertain significance. Last evaluated: 2026-04-22. Review status: criteria provided, single submitter. Criteria: DASA Assertion Criteria. Collection method: clinical testing. Allele origin: germline.
Comment: NM_000368.5(TSC1):c.125T>C (p.Val42Ala) is a missense variant that results in the substitution of valine with alanine. This variant is rare in population databases. Computational prediction algorithms are consistent with a deleterious effect. The currently available literature and clinical evidence are not sufficient to establish a definitive association between this variant and the reported condition. Therefore, this variant is classified as a variant of uncertain significance.

NM_000368.5(TSC1):c.125T>C (p.Val42Ala)

Gene: TSC1 (TSC complex subunit 1; minus strand). Cytogenetic location: 9q34.13.
Variant type: single nucleotide variant.
Coding change: c.125T>C on transcript NM_000368.5 (MANE Select); coding-DNA position 125, T replaced by C.
Protein change: p.Val42Ala; replaces valine 42 with alanine.
Molecular consequence: missense variant. On other transcripts: 5 prime UTR variant (9), non-coding transcript variant (4), intron variant (9).
Genome position (GRCh38, 1-based): chr9:132,927,286, A>G on the plus strand (T>C on the coding strand, the complement: TSC1 is on the minus strand). VCF-style: chr9-132927286-A-G. GRCh37 (hg19) VCF-style: chr9-135802673-A-G.
Other names: c.125T>C, p.Val42Ala (NM_001162426.2, NM_001162427.2, NM_001406592.1 and 21 more transcripts); c.-364T>C (NM_001406615.1, NM_001406623.1); c.-331T>C (NM_001406616.1, NM_001406624.1); c.-753T>C (NM_001406626.1, NM_001406627.1, NM_001406628.1); c.-895T>C (NM_001406629.1); c.-969T>C (NM_001406630.1); c.-153-1547T>C (NM_001406620.1, NM_001406618.1); c.-154+1481T>C (NM_001406625.1, NM_001406621.1, NM_001406617.1 and 3 more transcripts); and 1 more; short protein forms V42A.
Identifiers: ClinVar variation 4881504 (VCV004881504.2).